The following is an entry in ClinVar:

ClinVar aggregate classification (germline): Uncertain significance (1 of 4 stars; one submission).

Allele frequency attached by ClinVar (database versions not stated): ExAC 0.00002; gnomAD 0.00003; gnomAD exomes 0.00004; TOPMed 0.00004.
gnomAD v4.1: 114 of 1,613,896 alleles (0.0071%); highest among the groups gnomAD compares: Middle Eastern, 0.049%; no homozygotes.

Submission:

GeneDx
Classification: Uncertain significance. Last evaluated: 2021-05-21. Review status: criteria provided, single submitter. Criteria: GeneDx Variant Classification Process June 2021. Collection method: clinical testing. Allele origin: germline. Affected: yes.
Comment: Not observed at significant frequency in large population cohorts (Lek et al., 2016); In silico analysis supports that this missense variant does not alter protein structure/function; Has not been previously published as pathogenic or benign to our knowledge

NM_178554.6(KY):c.1526G>A (p.Arg509Gln)

Genes: CEP63 (centrosomal protein 63; plus strand), KY (kyphoscoliosis peptidase; minus strand). Cytogenetic location: 3q22.2.
Variant type: single nucleotide variant.
Coding change: c.1526G>A on transcript NM_178554.6 (MANE Select); coding-DNA position 1526, G replaced by A.
Protein change: p.Arg509Gln; replaces arginine 509 with glutamine.
Molecular consequence: missense variant.
Genome position (GRCh38, 1-based): chr3:134,604,039, C>T on the plus strand (G>A on the coding strand, the complement: KY is on the minus strand). VCF-style: chr3-134604039-C-T. GRCh37 (hg19) VCF-style: chr3-134322881-C-T.
Other names: c.1478G>A, p.Arg493Gln (NM_001350859.2); c.1463G>A, p.Arg488Gln (NM_001366276.1); short protein forms R488Q, R493Q, R509Q.
Identifiers: ClinVar variation 1326053 (VCV001326053.2), dbSNP rs755914324, ClinGen allele CA2628979.